The following is an entry in ClinVar:

NM_004329.3(BMPR1A):c.1268A>G (p.Gln423Arg)

Gene: BMPR1A (bone morphogenetic protein receptor type 1A; plus strand). Cytogenetic location: 10q23.2.
Variant type: single nucleotide variant.
Coding change: c.1268A>G on transcript NM_004329.3 (MANE Select); coding-DNA position 1268, A replaced by G.
Protein change: p.Gln423Arg; replaces glutamine 423 with arginine.
Molecular consequence: missense variant.
Genome position (GRCh38, 1-based): chr10:86,921,621, A>G. VCF-style: chr10-86921621-A-G. GRCh37 (hg19) VCF-style: chr10-88681378-A-G.
Other names: short protein forms Q423R.
Identifiers: ClinVar variation 1058676 (VCV001058676.9), dbSNP rs2133607541, ClinGen allele CA377462178.

ClinVar aggregate classification (germline): Uncertain significance (1 of 4 stars; one submission).

Conditions:
Juvenile polyposis syndrome (JPS). Identifiers: Orphanet 2929, MedGen C0345893, MONDO:0017380, OMIM 174900.

Submission:

Labcorp Genetics (formerly Invitae), Labcorp
Classification: Uncertain significance for Juvenile polyposis syndrome. Last evaluated: 2023-11-24. Review status: criteria provided, single submitter. Criteria: Invitae Variant Classification Sherloc (09022015). Collection method: clinical testing. Allele origin: germline.
Comment: This sequence change replaces glutamine, which is neutral and polar, with arginine, which is basic and polar, at codon 423 of the BMPR1A protein (p.Gln423Arg). This variant is not present in population databases (gnomAD no frequency). This variant has not been reported in the literature in individuals affected with BMPR1A-related conditions. ClinVar contains an entry for this variant (Variation ID: 1058676). Advanced modeling of protein sequence and biophysical properties (such as structural, functional, and spatial information, amino acid conservation, physicochemical variation, residue mobility, and thermodynamic stability) performed at Invitae indicates that this missense variant is not expected to disrupt BMPR1A protein function with a negative predictive value of 80%. In summary, the available evidence is currently insufficient to determine the role of this variant in disease. Therefore, it has been classified as a Variant of Uncertain Significance.